The following is an entry in ClinVar:

ClinVar aggregate classification (germline): Uncertain significance. Review status: criteria provided, multiple submitters, no conflicts (2 of 4 stars). 2 submissions from 2 submitters: Uncertain significance (2). Last evaluated 2024-06-11.

Conditions:
Inborn genetic diseases. Identifiers: MedGen C0950123, MeSH D030342.

Allele frequency attached by ClinVar (database versions not stated): ExAC 0.00001.

Submissions (2):

Labcorp Genetics (formerly Invitae), Labcorp
Classification: Uncertain significance. Last evaluated: 2024-06-11. Review status: criteria provided, single submitter. Criteria: Invitae Variant Classification Sherloc (09022015). Collection method: clinical testing. Allele origin: germline.
Comment: This sequence change replaces valine, which is neutral and non-polar, with isoleucine, which is neutral and non-polar, at codon 40 of the WNT1 protein (p.Val40Ile). This variant is present in population databases (rs754052778, gnomAD 0.01%). This variant has not been reported in the literature in individuals affected with WNT1-related conditions. ClinVar contains an entry for this variant (Variation ID: 2203901). Algorithms developed to predict the effect of missense changes on protein structure and function output the following: SIFT: "Not Available"; PolyPhen-2: "Benign"; Align-GVGD: "Not Available". The isoleucine amino acid residue is found in multiple mammalian species, which suggests that this missense change does not adversely affect protein function. In summary, the available evidence is currently insufficient to determine the role of this variant in disease. Therefore, it has been classified as a Variant of Uncertain Significance.

Ambry Genetics
Classification: Uncertain significance for Inborn genetic diseases. Last evaluated: 2022-12-01. Review status: criteria provided, single submitter. Criteria: Ambry Variant Classification Scheme 2023. Collection method: clinical testing. Allele origin: germline.

NM_005430.4(WNT1):c.118G>A (p.Val40Ile)

Gene: WNT1 (Wnt family member 1; plus strand). Cytogenetic location: 12q13.12.
Variant type: single nucleotide variant.
Coding change: c.118G>A on transcript NM_005430.4 (MANE Select); coding-DNA position 118, G replaced by A.
Protein change: p.Val40Ile; replaces valine 40 with isoleucine.
Molecular consequence: missense variant.
Genome position (GRCh38, 1-based): chr12:48,979,481, G>A. VCF-style: chr12-48979481-G-A. GRCh37 (hg19) VCF-style: chr12-49373264-G-A.
Other names: short protein forms V40I.
Identifiers: ClinVar variation 2203901 (VCV002203901.4), dbSNP rs754052778, ClinGen allele CA6544331.